The following is an entry in ClinVar:

NM_014363.6(SACS):c.8504G>A (p.Ser2835Asn)

Gene: SACS (sacsin molecular chaperone; minus strand). Cytogenetic location: 13q12.12.
Variant type: single nucleotide variant.
Coding change: c.8504G>A on transcript NM_014363.6 (MANE Select); coding-DNA position 8504, G replaced by A.
Protein change: p.Ser2835Asn; replaces serine 2835 with asparagine.
Molecular consequence: missense variant.
Genome position (GRCh38, 1-based): chr13:23,335,372, C>T on the plus strand (G>A on the coding strand, the complement: SACS is on the minus strand). VCF-style: chr13-23335372-C-T. GRCh37 (hg19) VCF-style: chr13-23909511-C-T.
Other names: c.8063G>A, p.Ser2688Asn (NM_001278055.2); short protein forms S2835N, S2688N.
Identifiers: ClinVar variation 648911 (VCV000648911.4), dbSNP rs1382975968, ClinGen allele CA387516489.

ClinVar aggregate classification (germline): Uncertain significance. Review status: criteria provided, single submitter (1 of 4 stars). 2 submissions from 2 submitters: Uncertain significance (1). 1 of the submissions does not count toward it. Last evaluated 2021-08-31.

Conditions:
Charlevoix-Saguenay spastic ataxia (SACS). Also called: SPASTIC ATAXIA 6, AUTOSOMAL RECESSIVE; AUTOSOMAL RECESSIVE SPASTIC ATAXIA OF CHARLEVOIX-SAGUENAY; Spastic ataxia of Charlevoix-Saguenay. Identifiers: Orphanet 98, MedGen C1849140, MONDO:0010041, OMIM 270550.
Spastic paraplegia. Identifiers: MedGen C0037772, HP:0001258.

Allele frequency attached by ClinVar (database versions not stated): gnomAD exomes below 0.00001; TOPMed 0.00001; gnomAD 0.00001.
gnomAD v4.1: 2 of 1,613,774 alleles (0.00012%); highest among the groups gnomAD compares: African/African-American, 0.0027%; no homozygotes.

Submissions (2):

Labcorp Genetics (formerly Invitae), Labcorp
Classification: Uncertain significance for Spastic paraplegia. Last evaluated: 2021-08-31. Review status: criteria provided, single submitter. Criteria: Invitae Variant Classification Sherloc (09022015). Collection method: clinical testing. Allele origin: germline.
Comment: This sequence change replaces serine with asparagine at codon 2835 of the SACS protein (p.Ser2835Asn). The serine residue is moderately conserved and there is a small physicochemical difference between serine and asparagine. This variant is not present in population databases (ExAC no frequency). This variant has not been reported in the literature in individuals affected with SACS-related conditions. Algorithms developed to predict the effect of missense changes on protein structure and function are either unavailable or do not agree on the potential impact of this missense change (SIFT: "Deleterious"; PolyPhen-2: "Possibly Damaging"; Align-GVGD: "Class C0"). In summary, the available evidence is currently insufficient to determine the role of this variant in disease. Therefore, it has been classified as a Variant of Uncertain Significance.

Natera, Inc.
Classification: Uncertain significance for Charlevoix-Saguenay type spastic ataxia. Last evaluated: 2020-08-18. Review status: no assertion criteria provided. Collection method: clinical testing. Allele origin: germline. Not counted in ClinVar's aggregate classification.